The following is an entry in ClinVar:

ClinVar aggregate classification (germline): Likely pathogenic. Review status: criteria provided, multiple submitters, no conflicts (2 of 4 stars). 2 submissions from 2 submitters: Likely pathogenic (2). Last evaluated 2025-09-15.

Conditions:
CFTR-related disorder (CFTR-RD). Also called: CFTR-related condition; CFTR-related disorders. Identifiers: MedGen C5924204, MONDO:7770004.
Cystic fibrosis (CF). Also called: MUCOVISCIDOSIS. Identifiers: Orphanet 586, MedGen C0010674, MONDO:0009061, OMIM 219700. Disease mechanism: loss of function.

Submissions (2):

Natera, Inc.
Classification: Likely pathogenic for CFTR-related disorders. Last evaluated: 2025-09-15. Review status: criteria provided, single submitter. Criteria: Natera Variant Classification Schema (03/2026). Collection method: clinical testing. Allele origin: germline.
Comment: The c.1244del variant in CFTR is a frameshift variant predicted to shift the reading frame beginning at codon 415 and leads to a stop codon 27 codons downstream. This variant is expected to result in nonsense mediated decay, truncation, or a dysfunctional protein product. This variant is rare in the general population with a frequency below the threshold expected for the associated phenotype(s). Given the available evidence, this variant is classified as Likely Pathogenic.

Institute of Human Genetics, University of Leipzig Medical Center
Classification: Likely pathogenic for Cystic fibrosis. Last evaluated: 2022-12-15. Review status: criteria provided, single submitter. Criteria: ACMG Guidelines, 2015. Collection method: curation. Allele origin: unknown. Affected: yes. Observed: 1 variant allele.
Comment: The variant was classified in the context of a project re-classifying variants in the German Cystic Fibrosis Registry (Muko.e.V.). Criteria applied: PVS1, PM2_SUP

NM_000492.4(CFTR):c.1244del (p.Asn415fs)

Genes: CFTR-AS1 (CFTR antisense RNA 1; minus strand), CFTR (CF transmembrane conductance regulator; plus strand). Cytogenetic location: 7q31.2.
Variant type: Deletion.
Coding change: c.1244del on transcript NM_000492.4 (MANE Select); coding-DNA position 1244, one base deleted (A; older notation c.1244delA).
Protein change: p.Asn415fs; shifts the reading frame from asparagine 415.
Molecular consequence: frameshift variant.
Genome position (GRCh38, 1-based): chr7:117,548,675, A deleted; the last of 4 consecutive A bases (chr7:117,548,672-117,548,675); deleting any one gives the same sequence. VCF-style (leftmost placement, unchanged base first): chr7-117548671-CA-C. GRCh37 (hg19) VCF-style: chr7-117188725-CA-C.
Other names: c.1244del (NM_000492.3); short protein forms N415fs.
Identifiers: ClinVar variation 1705986 (VCV001705986.3), dbSNP rs2485045971, ClinGen allele CA2580076504.